The following is an entry in ClinVar:

ClinVar aggregate classification (germline): Uncertain significance (1 of 4 stars; one submission).

Conditions:
Hereditary spastic paraplegia 31. Also called: SPASTIC PARAPLEGIA 31, AUTOSOMAL DOMINANT. Identifiers: Orphanet 101011, MedGen C1853247, MONDO:0012453, OMIM 610250.

gnomAD v4.1: 12 of 1,613,924 alleles (0.00074%); highest among the groups gnomAD compares: Non-Finnish European, 0.00059%; no homozygotes.

Submission:

Labcorp Genetics (formerly Invitae), Labcorp
Classification: Uncertain significance for Hereditary spastic paraplegia 31. Last evaluated: 2024-10-30. Review status: criteria provided, single submitter. Criteria: Invitae Variant Classification Sherloc (09022015). Collection method: clinical testing. Allele origin: germline.
Comment: This sequence change replaces aspartic acid, which is acidic and polar, with asparagine, which is neutral and polar, at codon 116 of the REEP1 protein (p.Asp116Asn). This variant is present in population databases (rs201343132, gnomAD 0.02%). This variant has not been reported in the literature in individuals affected with REEP1-related conditions. An algorithm developed to predict the effect of missense changes on protein structure and function (PolyPhen-2) suggests that this variant is likely to be tolerated. In summary, the available evidence is currently insufficient to determine the role of this variant in disease. Therefore, it has been classified as a Variant of Uncertain Significance.

NM_001371279.1(REEP1):c.346G>A (p.Asp116Asn)

Gene: REEP1 (receptor accessory protein 1; minus strand). Cytogenetic location: 2p11.2.
Variant type: single nucleotide variant.
Coding change: c.346G>A on transcript NM_001371279.1 (MANE Select); coding-DNA position 346, G replaced by A.
Protein change: p.Asp116Asn; replaces aspartic acid 116 with asparagine.
Molecular consequence: missense variant. On other transcripts: intron variant (1).
Genome position (GRCh38, 1-based): chr2:86,252,028, C>T on the plus strand (G>A on the coding strand, the complement: REEP1 is on the minus strand). VCF-style: chr2-86252028-C-T. GRCh37 (hg19) VCF-style: chr2-86479151-C-T.
Other names: c.367G>A, p.Asp123Asn (NM_001164730.2); c.265G>A, p.Asp89Asn (NM_001164731.2); c.346G>A, p.Asp116Asn (NM_001371280.1, NM_001410855.1, NM_001410856.1 and 1 more transcripts); c.182+11937G>A (NM_001164732.2); short protein forms D89N, D116N, D123N.
Identifiers: ClinVar variation 3712276 (VCV003712276.2).